The following is an entry in ClinVar:

NM_004525.3(LRP2):c.3115G>A (p.Val1039Met)

Gene: LRP2 (LDL receptor related protein 2; minus strand). Cytogenetic location: 2q31.1.
Variant type: single nucleotide variant.
Coding change: c.3115G>A on transcript NM_004525.3 (MANE Select); coding-DNA position 3115, G replaced by A.
Protein change: p.Val1039Met; replaces valine 1039 with methionine.
Molecular consequence: missense variant.
Genome position (GRCh38, 1-based): chr2:169,246,780, C>T on the plus strand (G>A on the coding strand, the complement: LRP2 is on the minus strand). VCF-style: chr2-169246780-C-T. GRCh37 (hg19) VCF-style: chr2-170103290-C-T.
Other names: short protein forms V1039M.
Identifiers: ClinVar variation 1480468 (VCV001480468.6), dbSNP rs370759024, ClinGen allele CA1955126.

ClinVar aggregate classification (germline): Uncertain significance (1 of 4 stars; one submission).

Allele frequency attached by ClinVar (database versions not stated): gnomAD exomes 0.00001; ExAC 0.00002; gnomAD 0.00003; TOPMed 0.00003; ESP Exome Variant Server 0.00008.
gnomAD v4.1: 6 of 1,614,042 alleles (0.00037%); highest among the groups gnomAD compares: African/African-American, 0.0067%; no homozygotes.

Submission:

Labcorp Genetics (formerly Invitae), Labcorp
Classification: Uncertain significance. Last evaluated: 2023-05-22. Review status: criteria provided, single submitter. Criteria: Invitae Variant Classification Sherloc (09022015). Collection method: clinical testing. Allele origin: germline.
Comment: This sequence change replaces valine, which is neutral and non-polar, with methionine, which is neutral and non-polar, at codon 1039 of the LRP2 protein (p.Val1039Met). This variant is present in population databases (rs370759024, gnomAD 0.02%). In summary, the available evidence is currently insufficient to determine the role of this variant in disease. Therefore, it has been classified as a Variant of Uncertain Significance. Advanced modeling of protein sequence and biophysical properties (such as structural, functional, and spatial information, amino acid conservation, physicochemical variation, residue mobility, and thermodynamic stability) performed at Invitae indicates that this missense variant is not expected to disrupt LRP2 protein function. ClinVar contains an entry for this variant (Variation ID: 1480468). This variant has not been reported in the literature in individuals affected with LRP2-related conditions.